The following is an entry in ClinVar:

ClinVar aggregate classification (germline): Uncertain significance. Review status: criteria provided, multiple submitters, no conflicts (2 of 4 stars). 4 submissions from 4 submitters: Uncertain significance (3). 1 of the submissions does not count toward it. Last evaluated 2026-04-27.

Conditions:
Paediatric disorders.
Inborn genetic diseases. Identifiers: MedGen C0950123, MeSH D030342.
CHD8-related disorder. Also called: CHD8-related disorders; CHD8-related condition.

gnomAD v4.1: 2 of 1,607,364 alleles (0.00012%); highest among the groups gnomAD compares: Admixed American, 0.0017%; no homozygotes.

Submissions (4):

North West Genomic Laboratory Hub, Manchester University NHS Foundation Trust
Classification: Uncertain significance for Paediatric disorders. Last evaluated: 2026-04-27. Review status: criteria provided, single submitter. Criteria: ACGS Best Practice Guidelines for Variant Classification in Rare Disease 2024. Collection method: clinical testing. Allele origin: germline. Affected: yes.
Comment: PP2_Supp

Ambry Genetics
Classification: Uncertain significance for Inborn genetic diseases. Last evaluated: 2025-06-09. Review status: criteria provided, single submitter. Criteria: Ambry Variant Classification Scheme 2023. Collection method: clinical testing. Allele origin: germline.

GeneDx
Classification: Uncertain significance. Last evaluated: 2023-12-09. Review status: criteria provided, single submitter. Criteria: GeneDx Variant Classification Process June 2021. Collection method: clinical testing. Allele origin: germline. Affected: yes.
Comment: Not observed at significant frequency in large population cohorts (gnomAD); In silico analysis supports that this missense variant has a deleterious effect on protein structure/function; Has not been previously published as pathogenic or benign to our knowledge

PreventionGenetics, part of Exact Sciences
Classification: Uncertain significance for CHD8-related condition. Last evaluated: 2024-07-05. Review status: no assertion criteria provided. Collection method: clinical testing. Allele origin: germline. Not counted in ClinVar's aggregate classification.
Comment: The CHD8 c.2161C>G variant is predicted to result in the amino acid substitution p.Pro721Ala. To our knowledge, this variant has not been reported in the literature or in a large population database, indicating this variant is rare. At this time, the clinical significance of this variant is uncertain due to the absence of conclusive functional and genetic evidence.

NM_001170629.2(CHD8):c.2161C>G (p.Pro721Ala)

Gene: CHD8 (chromodomain helicase DNA binding protein 8; minus strand). Cytogenetic location: 14q11.2.
Variant type: single nucleotide variant.
Coding change: c.2161C>G on transcript NM_001170629.2 (MANE Select); coding-DNA position 2161, C replaced by G.
Protein change: p.Pro721Ala; replaces proline 721 with alanine.
Molecular consequence: missense variant.
Genome position (GRCh38, 1-based): chr14:21,412,978, G>C on the plus strand (C>G on the coding strand, the complement: CHD8 is on the minus strand). VCF-style: chr14-21412978-G-C. GRCh37 (hg19) VCF-style: chr14-21881137-G-C.
Other names: c.1324C>G, p.Pro442Ala (NM_020920.4); short protein forms P442A, P721A.
Identifiers: ClinVar variation 3355235 (VCV003355235.4).